The following is an entry in ClinVar:

NM_015932.6(POMP):c.397A>G (p.Met133Val)

Gene: POMP (proteasome maturation protein; plus strand). Cytogenetic location: 13q12.3.
Variant type: single nucleotide variant.
Coding change: c.397A>G on transcript NM_015932.6 (MANE Select); coding-DNA position 397, A replaced by G.
Protein change: p.Met133Val; replaces methionine 133 with valine.
Molecular consequence: missense variant.
Genome position (GRCh38, 1-based): chr13:28,678,073, A>G. VCF-style: chr13-28678073-A-G. GRCh37 (hg19) VCF-style: chr13-29252210-A-G.
Other names: short protein forms M133V.
Identifiers: ClinVar variation 3611849 (VCV003611849.2).
Genomic context (GRCh38, chr13:28,678,073, plus strand): 5'-GTTTGTTTTTGTTTGCTTTCAGATCCATCACAAAGCGAAGTCATGGGAGAGCCACACTTG[A>G]TGGTGGAATATAAACTTGGTTTACTGTAATAGTGTGCTGTTCATGGAAACCGAGGGCTGC-3'
Protein context (NP_057016.1, residues 123-141): QSEVMGEPHL[Met133Val]VEYKLGLL

ClinVar aggregate classification (germline): Uncertain significance (1 of 4 stars; one submission).

Submission:

Labcorp Genetics (formerly Invitae), Labcorp
Classification: Uncertain significance. Last evaluated: 2024-08-15. Review status: criteria provided, single submitter. Criteria: Invitae Variant Classification Sherloc (09022015). Collection method: clinical testing. Allele origin: germline.
Comment: This sequence change replaces methionine, which is neutral and non-polar, with valine, which is neutral and non-polar, at codon 133 of the POMP protein (p.Met133Val). This variant is not present in population databases (gnomAD no frequency). This variant has not been reported in the literature in individuals affected with POMP-related conditions. An algorithm developed to predict the effect of missense changes on protein structure and function (PolyPhen-2) suggests that this variant is likely to be tolerated. In summary, the available evidence is currently insufficient to determine the role of this variant in disease. Therefore, it has been classified as a Variant of Uncertain Significance.